The following is an entry in ClinVar:

ClinVar aggregate classification (germline): Uncertain significance (1 of 4 stars; one submission).

Conditions:
Inborn genetic diseases. Identifiers: MedGen C0950123, MeSH D030342.

Submission:

Ambry Genetics
Classification: Uncertain significance for Inborn genetic diseases. Last evaluated: 2025-05-05. Review status: criteria provided, single submitter. Criteria: Ambry Variant Classification Scheme 2023. Collection method: clinical testing. Allele origin: germline.
Comment: The p.E1440D variant (also known as c.4320G>T), located in coding exon 1 of the SAMD9L gene, results from a G to T substitution at nucleotide position 4320. The glutamic acid at codon 1440 is replaced by aspartic acid, an amino acid with highly similar properties. This amino acid position is conserved. In addition, this alteration is predicted to be tolerated by in silico analysis. Based on the available evidence, the clinical significance of this variant remains unclear.

NM_152703.5(SAMD9L):c.4320G>T (p.Glu1440Asp)

Gene: SAMD9L (sterile alpha motif domain containing 9 like; minus strand). Cytogenetic location: 7q21.2.
Variant type: single nucleotide variant.
Coding change: c.4320G>T on transcript NM_152703.5 (MANE Select); coding-DNA position 4320, G replaced by T.
Protein change: p.Glu1440Asp; replaces glutamic acid 1440 with aspartic acid.
Molecular consequence: missense variant.
Genome position (GRCh38, 1-based): chr7:93,131,652, C>A on the plus strand (G>T on the coding strand, the complement: SAMD9L is on the minus strand). VCF-style: chr7-93131652-C-A. GRCh37 (hg19) VCF-style: chr7-92760965-C-A.
Other names: c.4320G>T, p.Glu1440Asp (NM_001303496.3, NM_001303497.3, NM_001303498.3 and 5 more transcripts); short protein forms E1440D.
Identifiers: ClinVar variation 3949900 (VCV003949900.1).
Genomic context (GRCh38, chr7:93,131,652, plus strand): 5'-CCTGAAGGATCTATTTAAGGATGAAACATACTTTTCTATTAGTTTGGAATCTTGATCTAG[C>A]TCTTGATTTTCTGGCCAGAACAGGAGGCAGGCCAAGAAATAAGGACCTGGATATTGATGA-3'
Protein context (NP_689916.2, residues 1430-1450): ACLLFWPENQ[Glu1440Asp]LDQDSKLIEK